The following is an entry in ClinVar:

NM_006031.6(PCNT):c.8594G>A (p.Arg2865Lys)

Gene: PCNT (pericentrin; plus strand). Cytogenetic location: 21q22.3.
Variant type: single nucleotide variant.
Coding change: c.8594G>A on transcript NM_006031.6 (MANE Select); coding-DNA position 8594, G replaced by A.
Protein change: p.Arg2865Lys; replaces arginine 2865 with lysine.
Molecular consequence: missense variant. On other transcripts: intron variant (1).
Genome position (GRCh38, 1-based): chr21:46,432,058, G>A. VCF-style: chr21-46432058-G-A. GRCh37 (hg19) VCF-style: chr21-47851972-G-A.
Other names: c.8160+80G>A (NM_001315529.2); short protein forms R2865K.
Identifiers: ClinVar variation 4717547 (VCV004717547.1).

ClinVar aggregate classification (germline): Uncertain significance (1 of 4 stars; one submission).

Submission:

Labcorp Genetics (formerly Invitae), Labcorp
Classification: Uncertain significance. Last evaluated: 2025-04-22. Review status: criteria provided, single submitter. Criteria: Invitae Variant Classification Sherloc (09022015). Collection method: clinical testing. Allele origin: germline.
Comment: This sequence change replaces arginine, which is basic and polar, with lysine, which is basic and polar, at codon 2865 of the PCNT protein (p.Arg2865Lys). This variant is not present in population databases (gnomAD no frequency). This variant has not been reported in the literature in individuals affected with PCNT-related conditions. An algorithm developed to predict the effect of missense changes on protein structure and function (PolyPhen-2) suggests that this variant is likely to be tolerated. In summary, the available evidence is currently insufficient to determine the role of this variant in disease. Therefore, it has been classified as a Variant of Uncertain Significance.